The following is an entry in ClinVar:

ClinVar aggregate classification (germline): Likely benign (1 of 4 stars; one submission).

Allele frequency attached by ClinVar (database versions not stated): gnomAD 0.00007; gnomAD exomes 0.00008; TOPMed 0.00008; ExAC 0.00010.
gnomAD v4.1: 128 of 1,613,942 alleles (0.0079%); highest among the groups gnomAD compares: Middle Eastern, 0.033%; no homozygotes.

Submission:

CeGaT Center for Human Genetics Tuebingen
Classification: Likely benign. Last evaluated: 2023-01-01. Review status: criteria provided, single submitter. Criteria: CeGaT Center For Human Genetics Tuebingen Variant Classification Criteria Version 2. Collection method: clinical testing. Allele origin: germline. Affected: yes. Observed: 2 variant alleles.
Comment: LSS: BP4, BP7

NM_002340.6(LSS):c.1053C>T (p.Asp351=)

Gene: LSS (lanosterol synthase; minus strand). Cytogenetic location: 21q22.3.
Variant type: single nucleotide variant.
Coding change: c.1053C>T on transcript NM_002340.6 (MANE Select); coding-DNA position 1053, C replaced by T.
Protein change: p.Asp351=; no amino-acid change (aspartic acid 351 retained).
Molecular consequence: synonymous variant.
Genome position (GRCh38, 1-based): chr21:46,213,794, G>A on the plus strand (C>T on the coding strand, the complement: LSS is on the minus strand). VCF-style: chr21-46213794-G-A. GRCh37 (hg19) VCF-style: chr21-47633708-G-A.
Other names: c.1053C>T, p.Asp351= (NM_001001438.3); c.1020C>T, p.Asp340= (NM_001145436.2); c.813C>T, p.Asp271= (NM_001145437.2).
Identifiers: ClinVar variation 2652814 (VCV002652814.24), dbSNP rs766693962, ClinGen allele CA10075195.